The following is an entry in ClinVar:

NM_001349338.3(FOXP1):c.1135G>C (p.Ala379Pro)

Gene: FOXP1 (forkhead box P1; minus strand). Cytogenetic location: 3p13.
Variant type: single nucleotide variant.
Coding change: c.1135G>C on transcript NM_001349338.3 (MANE Select); coding-DNA position 1135, G replaced by C.
Protein change: p.Ala379Pro; replaces alanine 379 with proline.
Molecular consequence: missense variant. On other transcripts: non-coding transcript variant (2).
Genome position (GRCh38, 1-based): chr3:70,988,005, C>G on the plus strand (G>C on the coding strand, the complement: FOXP1 is on the minus strand). VCF-style: chr3-70988005-C-G. GRCh37 (hg19) VCF-style: chr3-71037156-C-G.
Other names: c.1135G>C, p.Ala379Pro (NM_001244808.3, NM_001244810.2, NM_001244814.3 and 3 more transcripts); c.907G>C, p.Ala303Pro (NM_001244812.3); c.835G>C, p.Ala279Pro (NM_001244813.3, NM_001244815.2, NM_001349342.3 and 1 more transcripts); c.832G>C, p.Ala278Pro (NM_001349337.2, NM_001349343.3, NM_001349344.3); c.1132G>C, p.Ala378Pro (NM_001349341.3); short protein forms A278P, A279P, A303P, A378P, A379P.
Identifiers: ClinVar variation 4822382 (VCV004822382.4).
Genomic context (GRCh38, chr3:70,988,005, plus strand): 5'-GAATACTGTGAGTTTTGTTTTTTTCCCCTTGGTGGGGATCAATACTTACGGGCTGAGGGG[C>G]GGCTTTGGGTTCTGTAGACTTCACATGCAGGTGGGTCATCATGGCTTGCAGGCGTTCTTT-3'
Protein context (NP_001336267.1, residues 369-389): LHVKSTEPKA[Ala379Pro]PQPLNLVSSV

ClinVar aggregate classification (germline): Uncertain significance (1 of 4 stars; one submission).

Submission:

CeGaT Center for Human Genetics Tuebingen
Classification: Uncertain significance. Last evaluated: 2026-01-01. Review status: criteria provided, single submitter. Criteria: CeGaT Center For Human Genetics Tuebingen Variant Classification Criteria Version 2. Collection method: clinical testing. Allele origin: germline. Affected: yes. Observed: 1 variant allele.
Comment: FOXP1: PM2, BP4